The following is an entry in ClinVar:

NC_000005.10:g.112707354G>A

Gene: APC (APC regulator of Wnt signaling pathway; plus strand). Cytogenetic location: 5q22.2.
Variant type: single nucleotide variant.
Genome position: GRCh38 VCF-style: chr5-112707354-G-A. GRCh37 (hg19) VCF-style: chr5-112043051-G-A.
Identifiers: ClinVar variation 469896 (VCV000469896.14), dbSNP rs545524187, ClinGen allele CA124924542.

ClinVar aggregate classification (germline): Likely benign. Review status: criteria provided, multiple submitters, no conflicts (2 of 4 stars). 2 submissions from 2 submitters: Likely benign (2). Last evaluated 2026-01-31.

Conditions:
APC-related disorder. Also called: APC-related condition.
Familial adenomatous polyposis 1 (FAP1). Also called: FAMILIAL ADENOMATOUS POLYPOSIS 1, ATTENUATED; POLYPOSIS, ADENOMATOUS INTESTINAL. Identifiers: MedGen C2713442, MONDO:0021056, OMIM 175100. Disease mechanism: loss of function.

Allele frequency attached by ClinVar (database versions not stated): TOPMed 0.00008; gnomAD 0.00006.

Submissions (2):

Labcorp Genetics (formerly Invitae), Labcorp
Classification: Likely benign for Familial adenomatous polyposis 1. Last evaluated: 2026-01-31. Review status: criteria provided, single submitter. Criteria: Invitae Variant Classification Sherloc (09022015). Collection method: clinical testing. Allele origin: germline.

PreventionGenetics, part of Exact Sciences
Classification: Likely benign for APC-related condition. Last evaluated: 2025-08-14. Review status: criteria provided, single submitter. Criteria: ACMG Guidelines, 2015. Collection method: clinical testing. Allele origin: germline.
Comment: This variant is classified as likely benign based on ACMG/AMP sequence variant interpretation guidelines (Richards et al. 2015 PMID: 25741868, with internal and published modifications).